The following is an entry in ClinVar:

NM_182914.3(SYNE2):c.7569A>T (p.Arg2523Ser)

Gene: SYNE2 (spectrin repeat containing nuclear envelope protein 2; plus strand). Cytogenetic location: 14q23.2.
Variant type: single nucleotide variant.
Coding change: c.7569A>T on transcript NM_182914.3 (MANE Select); coding-DNA position 7569, A replaced by T.
Protein change: p.Arg2523Ser; replaces arginine 2523 with serine.
Molecular consequence: missense variant.
Genome position (GRCh38, 1-based): chr14:64,049,802, A>T. VCF-style: chr14-64049802-A-T. GRCh37 (hg19) VCF-style: chr14-64516520-A-T.
Other names: c.7569A>T, p.Arg2523Ser (NM_015180.6); short protein forms R2523S.
Identifiers: ClinVar variation 655366 (VCV000655366.11), dbSNP rs763858839, ClinGen allele CA7220964.

ClinVar aggregate classification (germline): Uncertain significance. Review status: criteria provided, multiple submitters, no conflicts (2 of 4 stars). 2 submissions from 2 submitters: Uncertain significance (2). Last evaluated 2021-03-30.

Conditions:
Emery-Dreifuss muscular dystrophy 5, autosomal dominant (EDMD5). Also called: EMERY-DREIFUSS MUSCULAR DYSTROPHY 5. Identifiers: Orphanet 261, MedGen C2751805, MONDO:0013072, OMIM 612999.

Allele frequency attached by ClinVar (database versions not stated): TOPMed 0.00001; ExAC 0.00001; gnomAD 0.00001; gnomAD exomes 0.00002 and 0.00006.
gnomAD v4.1: 83 of 1,614,038 alleles (0.0051%); highest among the groups gnomAD compares: Non-Finnish European, 0.0069%; no homozygotes.

Submissions (2):

Labcorp Genetics (formerly Invitae), Labcorp
Classification: Uncertain significance for Emery-Dreifuss muscular dystrophy 5, autosomal dominant. Last evaluated: 2021-03-30. Review status: criteria provided, single submitter. Criteria: Invitae Variant Classification Sherloc (09022015). Collection method: clinical testing. Allele origin: germline.
Comment: This variant is present in population databases (rs763858839, ExAC 0.002%). This sequence change replaces arginine with serine at codon 2523 of the SYNE2 protein (p.Arg2523Ser). The arginine residue is weakly conserved and there is a moderate physicochemical difference between arginine and serine. This variant has not been reported in the literature in individuals with SYNE2-related disease. In summary, the available evidence is currently insufficient to determine the role of this variant in disease. Therefore, it has been classified as a Variant of Uncertain Significance. Algorithms developed to predict the effect of missense changes on protein structure and function output the following: SIFT: "Tolerated"; PolyPhen-2: "Benign"; Align-GVGD: "Class C0". The serine amino acid residue is found in multiple mammalian species, suggesting that this missense change does not adversely affect protein function. These predictions have not been confirmed by published functional studies and their clinical significance is uncertain.

Revvity Omics, Revvity
Classification: Uncertain significance for Emery-Dreifuss muscular dystrophy 5, autosomal dominant. Last evaluated: 2020-03-04. Review status: criteria provided, single submitter. Criteria: ACMG Guidelines, 2015. Collection method: clinical testing. Allele origin: germline.